The following is an entry in ClinVar:

ClinVar aggregate classification (germline): Uncertain significance. Review status: criteria provided, multiple submitters, no conflicts (2 of 4 stars). 3 submissions from 3 submitters: Uncertain significance (3). Last evaluated 2025-09-08.

Conditions:
Retinal dystrophy. Also called: Inherited retinal dystrophy. Identifiers: Orphanet 71862, MedGen C0854723, MeSH D058499, MONDO:0019118, HP:0000556.
Retinitis pigmentosa 88. Identifiers: MedGen C5394208, MONDO:0032940, OMIM 618826.
Occult macular dystrophy (OCMD). Also called: OCCULT MACULAR DYSTROPHY, SUSCEPTIBILITY TO; OMD. Identifiers: Orphanet 247834, MedGen C3150833, MONDO:0013316, OMIM 613587, HP:0030636.

Allele frequency attached by ClinVar (database versions not stated): gnomAD 0.00001; TOPMed 0.00001; gnomAD exomes 0.00003.
gnomAD v4.1: 20 of 1,613,950 alleles (0.0012%); highest among the groups gnomAD compares: East Asian, 0.04%; no homozygotes.

Submissions (3):

Labcorp Genetics (formerly Invitae), Labcorp
Classification: Uncertain significance. Last evaluated: 2025-09-08. Review status: criteria provided, single submitter. Criteria: Invitae Variant Classification Sherloc (09022015). Collection method: clinical testing. Allele origin: germline.
Comment: This sequence change replaces leucine, which is neutral and non-polar, with proline, which is neutral and non-polar, at codon 87 of the RP1L1 protein (p.Leu87Pro). This variant is present in population databases (no rsID available, gnomAD 0.01%). This variant has not been reported in the literature in individuals affected with RP1L1-related conditions. ClinVar contains an entry for this variant (Variation ID: 3028067). Invitae Evidence Modeling of protein sequence and biophysical properties (such as structural, functional, and spatial information, amino acid conservation, physicochemical variation, residue mobility, and thermodynamic stability) has been performed for this missense variant. However, the output from this modeling did not meet the statistical confidence thresholds required to predict the impact of this variant on RP1L1 protein function. In summary, the available evidence is currently insufficient to determine the role of this variant in disease. Therefore, it has been classified as a Variant of Uncertain Significance.

Dept Of Ophthalmology, Nagoya University
Classification: Uncertain significance for Retinal dystrophy. Last evaluated: 2023-10-01. Review status: criteria provided, single submitter. Criteria: Submitter's publication. Collection method: research. Allele origin: germline. Affected: yes.

Department of Pathology and Laboratory Medicine, Sinai Health System
Classification: Uncertain significance for Occult macular dystrophy; Retinitis pigmentosa 88. Last evaluated: 2022-05-06. Review status: criteria provided, single submitter. Criteria: ACMG Guidelines, 2015. Collection method: research. Allele origin: germline.

NM_178857.6(RP1L1):c.260T>C (p.Leu87Pro)

Gene: RP1L1 (RP1 like 1). Cytogenetic location: 8p23.1.
Variant type: single nucleotide variant.
Coding change: c.260T>C on transcript NM_178857.6 (MANE Select); coding-DNA position 260, T replaced by C.
Protein change: p.Leu87Pro; replaces leucine 87 with proline.
Molecular consequence: missense variant.
Genome position (GRCh38, 1-based): chr8:10,622,942, A>G on the plus strand (T>C on the coding strand, the complement: RP1L1 is on the minus strand). VCF-style: chr8-10622942-A-G. GRCh37 (hg19) VCF-style: chr8-10480452-A-G.
Other names: short protein forms L87P.
Identifiers: ClinVar variation 3028067 (VCV003028067.4), dbSNP rs1191410101, ClinGen allele CA370300698.